The following is an entry in ClinVar:

ClinVar aggregate classification (germline): Pathogenic (1 of 4 stars; one submission).

Submission:

CeGaT Center for Human Genetics Tuebingen
Classification: Pathogenic. Last evaluated: 2023-11-01. Review status: criteria provided, single submitter. Criteria: CeGaT Center For Human Genetics Tuebingen Variant Classification Criteria Version 2. Collection method: clinical testing. Allele origin: germline. Affected: yes. Observed: 1 variant allele.
Comment: RAI1: PVS1, PS2, PM2

NM_030665.4(RAI1):c.5176G>T (p.Glu1726Ter)

Gene: RAI1 (retinoic acid induced 1; plus strand). Cytogenetic location: 17p11.2.
Variant type: single nucleotide variant.
Coding change: c.5176G>T on transcript NM_030665.4 (MANE Select); coding-DNA position 5176, G replaced by T.
Protein change: p.Glu1726Ter; replaces glutamic acid 1726 with a stop codon.
Molecular consequence: nonsense.
Genome position (GRCh38, 1-based): chr17:17,798,124, G>T. VCF-style: chr17-17798124-G-T. GRCh37 (hg19) VCF-style: chr17-17701438-G-T.
Other names: short protein forms E1726*.
Identifiers: ClinVar variation 2672691 (VCV002672691.23), dbSNP rs2543624839, ClinGen allele CA398558505.